The following is an entry in ClinVar:

ClinVar aggregate classification (germline): Uncertain significance (1 of 4 stars; one submission).

Conditions:
Gastrointestinal stromal tumor. Also called: Gastrointestinal stromal tumor, somatic; Gastrointestinal stroma tumor. Identifiers: Orphanet 44890, MedGen C0238198, MeSH D046152, MONDO:0011719, OMIM 606764, HP:0100723.

Submission:

Labcorp Genetics (formerly Invitae), Labcorp
Classification: Uncertain significance for Gastrointestinal stromal tumor. Last evaluated: 2023-09-22. Review status: criteria provided, single submitter. Criteria: Invitae Variant Classification Sherloc (09022015). Collection method: clinical testing. Allele origin: germline.
Comment: This sequence change falls in intron 11 of the PDGFRA gene. It does not directly change the encoded amino acid sequence of the PDGFRA protein. It affects a nucleotide within the consensus splice site. This variant is not present in population databases (gnomAD no frequency). This variant has not been reported in the literature in individuals affected with PDGFRA-related conditions. ClinVar contains an entry for this variant (Variation ID: 1511184). Variants that disrupt the consensus splice site are a relatively common cause of aberrant splicing (PMID: 17576681, 9536098). Algorithms developed to predict the effect of sequence changes on RNA splicing suggest that this variant is not likely to affect RNA splicing. In summary, the available evidence is currently insufficient to determine the role of this variant in disease. Therefore, it has been classified as a Variant of Uncertain Significance.

Literature cited by the submitters: PubMed 17576681; PubMed 9536098.

NM_006206.6(PDGFRA):c.1653+5A>T

Gene: PDGFRA (platelet derived growth factor receptor alpha; plus strand). Cytogenetic location: 4q12.
Variant type: single nucleotide variant.
Coding change: c.1653+5A>T on transcript NM_006206.6 (MANE Select); 5 bases into the intron after coding-DNA position 1653, A replaced by T.
Molecular consequence: intron variant.
Genome position (GRCh38, 1-based): chr4:54,274,630, A>T. VCF-style: chr4-54274630-A-T. GRCh37 (hg19) VCF-style: chr4-55140797-A-T.
Other names: c.1728+5A>T (NM_001347828.2); c.1653+5A>T (NM_001347827.2, NM_001347829.2); c.1692+5A>T (NM_001347830.2).
Identifiers: ClinVar variation 1511184 (VCV001511184.6), dbSNP rs764012027, ClinGen allele CA2573137836.
Genomic context (GRCh38, chr4:54,274,630, plus strand): 5'-TGCTGTTGGTGATTGTGATCATCTCACTTATTGTCCTGGTTGTCATTTGGAAACAGGTAG[A>T]TATTTTCTCATAAAACTAAAGATCTTTGAAGCCAATGAGAACAAGCATAGCAACCTAGTT-3'